The following is an entry in ClinVar:

ClinVar aggregate classification (germline): Uncertain significance (1 of 4 stars; one submission).

Conditions:
Severe early-onset pulmonary alveolar proteinosis due to MARS deficiency. Also called: Interstitial lung and liver disease; PULMONARY ALVEOLAR PROTEINOSIS, REUNION ISLAND. Identifiers: Orphanet 440427, MedGen C4225400, MONDO:0014206, OMIM 615486.
Charcot-Marie-Tooth disease axonal type 2U. Also called: CHARCOT-MARIE-TOOTH NEUROPATHY, TYPE 2U; CHARCOT-MARIE-TOOTH DISEASE, AXONAL, AUTOSOMAL DOMINANT, TYPE 2U. Identifiers: Orphanet 397735, MedGen C4084821, MONDO:0014566, OMIM 616280.

Allele frequency attached by ClinVar (database versions not stated): gnomAD exomes 0.00001 and 0.00003; ExAC 0.00002; gnomAD 0.00002; TOPMed 0.00002.
gnomAD v4.1: 16 of 1,612,620 alleles (0.00099%); highest among the groups gnomAD compares: East Asian, 0.022%; no homozygotes.

Submission:

Labcorp Genetics (formerly Invitae), Labcorp
Classification: Uncertain significance for Charcot-Marie-Tooth disease axonal type 2U; Severe early-onset pulmonary alveolar proteinosis due to MARS deficiency. Last evaluated: 2024-06-28. Review status: criteria provided, single submitter. Criteria: Invitae Variant Classification Sherloc (09022015). Collection method: clinical testing. Allele origin: germline.
Comment: This sequence change replaces isoleucine, which is neutral and non-polar, with threonine, which is neutral and polar, at codon 795 of the MARS protein (p.Ile795Thr). This variant is present in population databases (rs758314169, gnomAD 0.05%). This variant has not been reported in the literature in individuals affected with MARS-related conditions. ClinVar contains an entry for this variant (Variation ID: 1019872). An algorithm developed to predict the effect of missense changes on protein structure and function (PolyPhen-2) suggests that this variant is likely to be disruptive. In summary, the available evidence is currently insufficient to determine the role of this variant in disease. Therefore, it has been classified as a Variant of Uncertain Significance.

NM_004990.4(MARS1):c.2384T>C (p.Ile795Thr)

Gene: MARS1 (methionyl-tRNA synthetase 1; plus strand). Cytogenetic location: 12q13.3.
Variant type: single nucleotide variant.
Coding change: c.2384T>C on transcript NM_004990.4 (MANE Select); coding-DNA position 2384, T replaced by C.
Protein change: p.Ile795Thr; replaces isoleucine 795 with threonine.
Molecular consequence: missense variant.
Genome position (GRCh38, 1-based): chr12:57,515,329, T>C. VCF-style: chr12-57515329-T-C. GRCh37 (hg19) VCF-style: chr12-57909112-T-C.
Other names: short protein forms I795T.
Identifiers: ClinVar variation 1019872 (VCV001019872.8), dbSNP rs758314169, ClinGen allele CA6650781.